The following is an entry in ClinVar:

NM_000094.4(COL7A1):c.6081del (p.Pro2029fs)

Gene: COL7A1 (collagen type VII alpha 1 chain; minus strand). Cytogenetic location: 3p21.31.
Variant type: Deletion.
Coding change: c.6081del on transcript NM_000094.4 (MANE Select); coding-DNA position 6081, one base deleted (C; older notation c.6081delC).
Protein change: p.Pro2029fs; shifts the reading frame from proline 2029.
Molecular consequence: frameshift variant.
Genome position (GRCh38, 1-based): chr3:48,575,438, G deleted on the plus strand (C on the coding strand, the reverse complement: COL7A1 is on the minus strand); the first of 7 consecutive G bases (chr3:48,575,438-48,575,444); deleting any one gives the same sequence. VCF-style (leftmost placement, unchanged base first): chr3-48575437-CG-C. GRCh37 (hg19) VCF-style: chr3-48612870-CG-C.
Other names: c.6081delC (NM_000094.3); short protein forms P2029fs.
Identifiers: ClinVar variation 418654 (VCV000418654.14), dbSNP rs780623622, ClinGen allele CA2379198.

ClinVar aggregate classification (germline): Pathogenic. Review status: criteria provided, multiple submitters, no conflicts (2 of 4 stars). 4 submissions from 4 submitters: Pathogenic (4). Last evaluated 2026-01-27.

Conditions:
Recessive dystrophic epidermolysis bullosa (RDEB). Also called: Hallopeau-Siemens Disease; EPIDERMOLYSIS BULLOSA DYSTROPHICA, GENERALIZED SEVERE, AUTOSOMAL RECESSIVE; Epidermolysis Bullosa Distrophica Autosomal Recessive (RDEB); epidermolysis bullosa dystrophica, autosomal recessive; Recessive DEB (RDEB); DYSTROPHIC EPIDERMOLYSIS BULLOSA, AUTOSOMAL RECESSIVE. Identifiers: Orphanet 79408, Orphanet 79409, MedGen C0079474, MONDO:0009179, OMIM 226600.
Epidermolysis bullosa dystrophica. Also called: Dystrophic epidermolysis bullosa, Hallopeau-Siemens type (formerly); Dystrophic epidermolysis bullosa. Identifiers: Orphanet 303, MedGen C0079294, MONDO:0006543.

Submissions (4):

Natera, Inc.
Classification: Pathogenic for Dystrophic epidermolysis bullosa. Last evaluated: 2026-01-27. Review status: criteria provided, single submitter. Criteria: Natera Variant Classification Schema (03/2026). Collection method: clinical testing. Allele origin: germline.
Comment: The c.6081delC variant in COL7A1 is a frameshift variant predicted to shift the reading frame beginning at codon 2029 and leads to a stop codon 177 codons downstream. This variant is expected to result in nonsense mediated decay, truncation, or a dysfunctional protein product. This variant is rare in the general population with a frequency below the threshold expected for the associated phenotype(s). This variant has been observed in one or more individuals affected with the associated recessive disease, as either homozygous or compound heterozygous with a second variant (PMID: 16484981). Given the available evidence, this variant is classified as Pathogenic.

Labcorp Genetics (formerly Invitae), Labcorp
Classification: Pathogenic. Last evaluated: 2025-11-08. Review status: criteria provided, single submitter. Criteria: Invitae Variant Classification Sherloc (09022015). Collection method: clinical testing. Allele origin: germline.
Comment: This sequence change creates a premature translational stop signal (p.Pro2029Leufs*177) in the COL7A1 gene. It is expected to result in an absent or disrupted protein product. Loss-of-function variants in COL7A1 are known to be pathogenic (PMID: 16971478). The frequency data for this variant in the population databases is considered unreliable, as metrics indicate poor data quality at this position in the gnomAD database. This premature translational stop signal has been observed in individuals with recessive dystrophic epidermolysis bullosa (PMID: 8618018, 10504458, 28830826). ClinVar contains an entry for this variant (Variation ID: 418654). For these reasons, this variant has been classified as Pathogenic.

Myriad Genetics, Inc.
Classification: Pathogenic for Recessive dystrophic epidermolysis bullosa. Last evaluated: 2024-02-26. Review status: criteria provided, single submitter. Criteria: Myriad Autosomal Dominant, Autosomal Recessive and X-Linked Classification Criteria (2023). Collection method: clinical testing. Allele origin: unknown.
Comment: NM_000094.3(COL7A1):c.6081delC(P2029Lfs*177) is expected to be pathogenic in the context of dystrophic epidermolysis bullosa. This variant is predicted to lead to an abnormal or absent protein product due to the creation of a premature termination codon in COL7A1, a gene where loss-of-function variants are known to be pathogenic. Please note: this variant was assessed in the context of healthy population screening.

GeneDx
Classification: Pathogenic. Last evaluated: 2022-07-07. Review status: criteria provided, single submitter. Criteria: GeneDx Variant Classification Process June 2021. Collection method: clinical testing. Allele origin: germline. Affected: yes.
Comment: Frameshift variant predicted to result in protein truncation or nonsense mediated decay in a gene for which loss-of-function is a known mechanism of disease; This variant is associated with the following publications: (PMID: 8644729, 21448560, 16484981, 9375848, 28830826, 8618018, 10504458, 32142798, 34286919, 34046686)

Literature cited by the submitters: PubMed 16484981 (cited by Natera, Inc.); PubMed 16971478 (cited by Labcorp Genetics (formerly Invitae), Labcorp); PubMed 8618018 (cited by Labcorp Genetics (formerly Invitae), Labcorp); PubMed 10504458 (cited by Labcorp Genetics (formerly Invitae), Labcorp); PubMed 28830826 (cited by Labcorp Genetics (formerly Invitae), Labcorp).